The following is an entry in ClinVar:

NM_001330260.2(SCN8A):c.5167C>G (p.Leu1723Val)

Gene: SCN8A (sodium voltage-gated channel alpha subunit 8; plus strand). Cytogenetic location: 12q13.13.
Variant type: single nucleotide variant.
Coding change: c.5167C>G on transcript NM_001330260.2 (MANE Select); coding-DNA position 5167, C replaced by G.
Protein change: p.Leu1723Val; replaces leucine 1723 with valine.
Molecular consequence: missense variant.
Genome position (GRCh38, 1-based): chr12:51,806,653, C>G. VCF-style: chr12-51806653-C-G. GRCh37 (hg19) VCF-style: chr12-52200437-C-G.
Other names: c.5044C>G, p.Leu1682Val (NM_001177984.3, NM_001369788.1); c.5167C>G, p.Leu1723Val (NM_014191.4); short protein forms L1723V, L1682V.
Identifiers: ClinVar variation 2162336 (VCV002162336.4), dbSNP rs1031935135, ClinGen allele CA384884126.

ClinVar aggregate classification (germline): Uncertain significance (1 of 4 stars; one submission).

Conditions:
Early-infantile DEE. Also called: Ohtahara syndrome; Early infantile epileptic encephalopathy with suppression bursts; Early infantile epileptic encephalopathy. Identifiers: Orphanet 1934, MedGen C0393706, MONDO:0800491.

gnomAD v4.1: 8 of 1,614,192 alleles (0.0005%); highest among the groups gnomAD compares: Non-Finnish European, 0.00068%; no homozygotes.

Submission:

Labcorp Genetics (formerly Invitae), Labcorp
Classification: Uncertain significance for Early-infantile DEE. Last evaluated: 2022-07-16. Review status: criteria provided, single submitter. Criteria: Invitae Variant Classification Sherloc (09022015). Collection method: clinical testing. Allele origin: germline.
Comment: This sequence change replaces leucine, which is neutral and non-polar, with valine, which is neutral and non-polar, at codon 1723 of the SCN8A protein (p.Leu1723Val). This variant is not present in population databases (gnomAD no frequency). This variant has not been reported in the literature in individuals affected with SCN8A-related conditions. Algorithms developed to predict the effect of missense changes on protein structure and function (SIFT, PolyPhen-2, Align-GVGD) all suggest that this variant is likely to be tolerated. In summary, the available evidence is currently insufficient to determine the role of this variant in disease. Therefore, it has been classified as a Variant of Uncertain Significance.